The following is an entry in ClinVar:

NM_145046.5(CALR3):c.326A>G (p.Tyr109Cys)

Gene: CALR3 (calreticulin 3; minus strand). Cytogenetic location: 19p13.11.
Variant type: single nucleotide variant.
Coding change: c.326A>G on transcript NM_145046.5 (MANE Select); coding-DNA position 326, A replaced by G.
Protein change: p.Tyr109Cys; replaces tyrosine 109 with cysteine.
Molecular consequence: missense variant.
Genome position (GRCh38, 1-based): chr19:16,490,438, T>C on the plus strand (A>G on the coding strand, the complement: CALR3 is on the minus strand). VCF-style: chr19-16490438-T-C. GRCh37 (hg19) VCF-style: chr19-16601249-T-C.
Other names: short protein forms Y109C.
Identifiers: ClinVar variation 4737903 (VCV004737903.1).

ClinVar aggregate classification (germline): Uncertain significance (1 of 4 stars; one submission).

Conditions:
Hypertrophic cardiomyopathy 19. Also called: Familial hypertrophic cardiomyopathy 19. Identifiers: MedGen CN077603, MONDO:0013476.

gnomAD v4.1: 2 of 1,614,198 alleles (0.00012%); highest among the groups gnomAD compares: East Asian, 0.0022%; no homozygotes.

Submission:

Labcorp Genetics (formerly Invitae), Labcorp
Classification: Uncertain significance for Hypertrophic cardiomyopathy 19. Last evaluated: 2025-10-26. Review status: criteria provided, single submitter. Criteria: Invitae Variant Classification Sherloc (09022015). Collection method: clinical testing. Allele origin: germline.
Comment: This sequence change replaces tyrosine, which is neutral and polar, with cysteine, which is neutral and slightly polar, at codon 109 of the CALR3 protein (p.Tyr109Cys). This variant is present in population databases (rs781640024, gnomAD 0.003%). This variant has not been reported in the literature in individuals affected with CALR3-related conditions. Invitae Evidence Modeling of protein sequence and biophysical properties (such as structural, functional, and spatial information, amino acid conservation, physicochemical variation, residue mobility, and thermodynamic stability) indicates that this missense variant is expected to disrupt CALR3 protein function with a positive predictive value of 80%. In summary, the available evidence is currently insufficient to determine the role of this variant in disease. Therefore, it has been classified as a Variant of Uncertain Significance.